The following is an entry in ClinVar:

NM_020297.4(ABCC9):c.728T>C (p.Ile243Thr)

Gene: ABCC9 (ATP binding cassette subfamily C member 9; minus strand). Cytogenetic location: 12p12.1.
Variant type: single nucleotide variant.
Coding change: c.728T>C on transcript NM_020297.4 (MANE Select); coding-DNA position 728, T replaced by C.
Protein change: p.Ile243Thr; replaces isoleucine 243 with threonine.
Molecular consequence: missense variant. On other transcripts: intron variant (1).
Genome position (GRCh38, 1-based): chr12:21,915,756, A>G on the plus strand (T>C on the coding strand, the complement: ABCC9 is on the minus strand). VCF-style: chr12-21915756-A-G. GRCh37 (hg19) VCF-style: chr12-22068690-A-G.
Other names: c.728T>C, p.Ile243Thr (NM_001377273.1, NM_005691.4); c.-48-2690T>C (NM_001377274.1); c.728T>C (NM_005691.2); short protein forms I243T.
Identifiers: ClinVar variation 1308306 (VCV001308306.7), dbSNP rs754113599, ClinGen allele CA6481825.
Genomic context (GRCh38, chr12:21,915,756, plus strand): 5'-CAAACATAATTTGTTACTGCTCTCATTGCTATTGGCAATTTTCCAATTGCCTTCAGATCA[A>G]TAGGCTTTTTGTGAGCAGATATAATAAGTGTGTTCATCCACCAGTATGTTGCTTTTGACA-3'
Protein context (NP_064693.2, residues 233-253): TLIISAHKKP[Ile243Thr]DLKAIGKLPI

ClinVar aggregate classification (germline): Uncertain significance. Review status: criteria provided, multiple submitters, no conflicts (2 of 4 stars). 3 submissions from 3 submitters: Uncertain significance (3). Last evaluated 2026-05-15.

Conditions:
Cardiovascular phenotype. Identifiers: MedGen CN230736.
Dilated cardiomyopathy 1O (CMD1O). Also called: CARDIOMYOPATHY, DILATED, WITH VENTRICULAR TACHYCARDIA. Identifiers: Orphanet 154, MedGen C1837839, MONDO:0012062, OMIM 608569.

Allele frequency attached by ClinVar (database versions not stated): ExAC 0.00001; gnomAD exomes 0.00001; TOPMed 0.00001.
gnomAD v4.1: 13 of 1,613,142 alleles (0.00081%); highest among the groups gnomAD compares: South Asian, 0.0033%; no homozygotes.

Submissions (3):

Ambry Genetics
Classification: Uncertain significance for Cardiovascular phenotype. Last evaluated: 2026-05-15. Review status: criteria provided, single submitter. Criteria: Ambry Variant Classification Scheme 2023. Collection method: clinical testing. Allele origin: germline.
Comment: The p.I243T variant (also known as c.728T>C), located in coding exon 5 of the ABCC9 gene, results from a T to C substitution at nucleotide position 728. The isoleucine at codon 243 is replaced by threonine, an amino acid with similar properties. This amino acid position is well conserved in available vertebrate species. In addition, the in silico prediction for this alteration is inconclusive. Based on the available evidence, the clinical significance of this variant remains unclear.

Labcorp Genetics (formerly Invitae), Labcorp
Classification: Uncertain significance for Dilated cardiomyopathy 1O. Last evaluated: 2025-10-01. Review status: criteria provided, single submitter. Criteria: Invitae Variant Classification Sherloc (09022015). Collection method: clinical testing. Allele origin: germline.
Comment: This sequence change replaces isoleucine, which is neutral and non-polar, with threonine, which is neutral and polar, at codon 243 of the ABCC9 protein (p.Ile243Thr). This variant is present in population databases (rs754113599, gnomAD 0.006%). This variant has not been reported in the literature in individuals affected with ABCC9-related conditions. ClinVar contains an entry for this variant (Variation ID: 1308306). An algorithm developed to predict the effect of missense changes on protein structure and function outputs the following: PolyPhen-2: "Possibly Damaging". The threonine amino acid residue is found in multiple mammalian species, which suggests that this missense change does not adversely affect protein function. In summary, the available evidence is currently insufficient to determine the role of this variant in disease. Therefore, it has been classified as a Variant of Uncertain Significance.

GeneDx
Classification: Uncertain significance. Last evaluated: 2019-03-26. Review status: criteria provided, single submitter. Criteria: GeneDx Variant Classification Process June 2021. Collection method: clinical testing. Allele origin: germline. Affected: yes.
Comment: Not observed at a significant frequency in large population cohorts (Lek et al., 2016); In silico analysis, which includes protein predictors and evolutionary conservation, supports a deleterious effect; Has not been previously published as pathogenic or benign to our knowledge